The following is an entry in ClinVar:

ClinVar aggregate classification (germline): Uncertain significance (1 of 4 stars; one submission).

Conditions:
Paroxysmal nonkinesigenic dyskinesia. Also called: Paroxysmal non-kinesigenic dyskinesia. Identifiers: Orphanet 98810, MedGen C1869117, MONDO:0700088.

Allele frequency attached by ClinVar (database versions not stated): gnomAD exomes 0.00001.
gnomAD v4.1: 7 of 1,602,976 alleles (0.00044%); highest among the groups gnomAD compares: Non-Finnish European, 0.0006%; no homozygotes.

Submission:

Labcorp Genetics (formerly Invitae), Labcorp
Classification: Uncertain significance for Paroxysmal nonkinesigenic dyskinesia. Last evaluated: 2023-09-11. Review status: criteria provided, single submitter. Criteria: Invitae Variant Classification Sherloc (09022015). Collection method: clinical testing. Allele origin: germline.
Comment: In summary, the available evidence is currently insufficient to determine the role of this variant in disease. Therefore, it has been classified as a Variant of Uncertain Significance. Advanced modeling of protein sequence and biophysical properties (such as structural, functional, and spatial information, amino acid conservation, physicochemical variation, residue mobility, and thermodynamic stability) performed at Invitae indicates that this missense variant is not expected to disrupt PNKD protein function. ClinVar contains an entry for this variant (Variation ID: 2069178). This variant has not been reported in the literature in individuals affected with PNKD-related conditions. This variant is not present in population databases (gnomAD no frequency). This sequence change replaces serine, which is neutral and polar, with threonine, which is neutral and polar, at codon 185 of the PNKD protein (p.Ser185Thr).

NM_015488.5(PNKD):c.554G>C (p.Ser185Thr)

Genes: CATIP-AS2 (CATIP antisense RNA 2; minus strand), PNKD (PNKD metallo-beta-lactamase domain containing; plus strand). Cytogenetic location: 2q35.
Variant type: single nucleotide variant.
Coding change: c.554G>C on transcript NM_015488.5 (MANE Select); coding-DNA position 554, G replaced by C.
Protein change: p.Ser185Thr; replaces serine 185 with threonine.
Molecular consequence: missense variant.
Genome position (GRCh38, 1-based): chr2:218,341,563, G>C. VCF-style: chr2-218341563-G-C. GRCh37 (hg19) VCF-style: chr2-219206286-G-C.
Other names: c.482G>C, p.Ser161Thr (NM_022572.5); short protein forms S185T, S161T.
Identifiers: ClinVar variation 2069178 (VCV002069178.4), dbSNP rs560763344, ClinGen allele CA65759497.
Genomic context (GRCh38, chr2:218,341,563, plus strand): 5'-AAGCCCCCTGCCTGTCTCTGCTGTCCTGCAGGGACCACAGTGGAGGGAACCGTGACCTCA[G>C]CCGGCGGCACCGGGACTGTCGGGTGTACGGGAGCCCTCAGGACGGCATCCCCTACCTCAC-3'
Protein context (NP_056303.3, residues 175-195): WDHSGGNRDL[Ser185Thr]RRHRDCRVYG